The following is an entry in ClinVar:

NM_001018005.2(TPM1):c.462T>G (p.Ile154Met)

Gene: TPM1 (tropomyosin 1; plus strand). Cytogenetic location: 15q22.2.
Variant type: single nucleotide variant.
Coding change: c.462T>G on transcript NM_001018005.2 (MANE Select); coding-DNA position 462, T replaced by G.
Protein change: p.Ile154Met; replaces isoleucine 154 with methionine.
Molecular consequence: missense variant.
Genome position (GRCh38, 1-based): chr15:63,059,650, T>G. VCF-style: chr15-63059650-T-G. GRCh37 (hg19) VCF-style: chr15-63351849-T-G.
Other names: c.462T>G, p.Ile154Met (NM_000366.6, NM_001018004.2, NM_001018006.2 and 6 more transcripts); c.354T>G, p.Ile118Met (NM_001018008.2, NM_001365780.1, NM_001365781.2 and 5 more transcripts); c.588T>G, p.Ile196Met (NM_001365778.1); short protein forms I118M, I154M, I196M.
Identifiers: ClinVar variation 1360171 (VCV001360171.8), dbSNP rs2140938472, ClinGen allele CA392722386.

ClinVar aggregate classification (germline): Uncertain significance (1 of 4 stars; one submission).

Conditions:
Hypertrophic cardiomyopathy. Also called: HYPERTROPHIC MYOCARDIOPATHY. Identifiers: Orphanet 217569, MedGen C0007194, MeSH D002312, MONDO:0005045, HP:0001639.

Submission:

Labcorp Genetics (formerly Invitae), Labcorp
Classification: Uncertain significance for Hypertrophic cardiomyopathy. Last evaluated: 2021-09-09. Review status: criteria provided, single submitter. Criteria: Invitae Variant Classification Sherloc (09022015). Collection method: clinical testing. Allele origin: germline.
Comment: This sequence change replaces isoleucine with methionine at codon 154 of the TPM1 protein (p.Ile154Met). The isoleucine residue is moderately conserved and there is a small physicochemical difference between isoleucine and methionine. This variant is not present in population databases (ExAC no frequency). In summary, the available evidence is currently insufficient to determine the role of this variant in disease. Therefore, it has been classified as a Variant of Uncertain Significance. Algorithms developed to predict the effect of missense changes on protein structure and function are either unavailable or do not agree on the potential impact of this missense change (SIFT: "Deleterious"; PolyPhen-2: "Probably Damaging"; Align-GVGD: "Class C0"). This variant has not been reported in the literature in individuals with TPM1-related conditions.